The following is an entry in ClinVar:

ClinVar aggregate classification (germline): Uncertain significance (1 of 4 stars; one submission).

Conditions:
Hereditary cancer-predisposing syndrome. Also called: Neoplastic Syndromes, Hereditary; Tumor predisposition; Hereditary neoplastic syndrome; Hereditary Cancer Syndrome. Identifiers: Orphanet 140162, MedGen C0027672, MeSH D009386, MONDO:0015356.

Submission:

Ambry Genetics
Classification: Uncertain significance for Hereditary cancer-predisposing syndrome. Last evaluated: 2024-05-08. Review status: criteria provided, single submitter. Criteria: Ambry Variant Classification Scheme 2023. Collection method: clinical testing. Allele origin: germline.
Comment: The p.M1? variant (also known as c.2T>C) is located in coding exon 1 of the SMARCB1 gene and results from a T to C substitution at nucleotide position 2. This alters the methionine residue at the initiation codon (ATG). Variations that modify the initiation codon (ATG) are expected to result in either loss of translation initiation, N-terminal truncation, or cause a shift in the mRNA reading frame; however, there is an in-frame methionine 1 amino acid from the initiation site, which may result in N-terminal truncation of unknown functional significance. Based on the available evidence, the clinical significance of this variant remains unclear.

NM_003073.5(SMARCB1):c.2T>C (p.Met1Thr)

Gene: SMARCB1 (SWI/SNF related BAF chromatin remodeling complex subunit B1; plus strand). Cytogenetic location: 22q11.23.
Variant type: single nucleotide variant.
Coding change: c.2T>C on transcript NM_003073.5 (MANE Select); coding-DNA position 2, T replaced by C.
Protein change: p.Met1Thr; changes the start codon (methionine 1).
Molecular consequence: missense variant, initiator codon variant.
Genome position (GRCh38, 1-based): chr22:23,787,171, T>C. VCF-style: chr22-23787171-T-C. GRCh37 (hg19) VCF-style: chr22-24129358-T-C.
Other names: c.2T>C, p.Met1Thr (NM_001007468.3, NM_001317946.2, NM_001362877.2); short protein forms M1T.
Identifiers: ClinVar variation 3320807 (VCV003320807.1).